The following is an entry in ClinVar:

ClinVar aggregate classification (germline): Uncertain significance (1 of 4 stars; one submission).

Allele frequency attached by ClinVar (database versions not stated): gnomAD exomes below 0.00001.
gnomAD v4.1: 5 of 1,613,230 alleles (0.00031%); highest among the groups gnomAD compares: Non-Finnish European, 0.00042%; no homozygotes.

Submission:

Labcorp Genetics (formerly Invitae), Labcorp
Classification: Uncertain significance. Last evaluated: 2021-06-30. Review status: criteria provided, single submitter. Criteria: Invitae Variant Classification Sherloc (09022015). Collection method: clinical testing. Allele origin: germline.
Comment: This sequence change replaces valine with methionine at codon 432 of the RBP3 protein (p.Val432Met). The valine residue is highly conserved and there is a small physicochemical difference between valine and methionine. This variant is not present in population databases (ExAC no frequency). This variant has not been reported in the literature in individuals affected with RBP3-related conditions. Algorithms developed to predict the effect of missense changes on protein structure and function are either unavailable or do not agree on the potential impact of this missense change (SIFT: "Deleterious"; PolyPhen-2: "Possibly Damaging"; Align-GVGD: "Class C0"). In summary, the available evidence is currently insufficient to determine the role of this variant in disease. Therefore, it has been classified as a Variant of Uncertain Significance.

NM_002900.3(RBP3):c.1294G>A (p.Val432Met)

Gene: RBP3 (retinol binding protein 3; plus strand). Cytogenetic location: 10q11.22.
Variant type: single nucleotide variant.
Coding change: c.1294G>A on transcript NM_002900.3 (MANE Select); coding-DNA position 1294, G replaced by A.
Protein change: p.Val432Met; replaces valine 432 with methionine.
Molecular consequence: missense variant.
Genome position (GRCh38, 1-based): chr10:47,349,778, G>A. VCF-style: chr10-47349778-G-A. GRCh37 (hg19) VCF-style: chr10-48389584-C-T.
Other names: short protein forms V432M.
Identifiers: ClinVar variation 1472469 (VCV001472469.8), dbSNP rs1555211188, ClinGen allele CA376669243.
Genomic context (GRCh38, chr10:47,349,778, plus strand): 5'-GCCCCAGAGTTGCCTGAGGACGAGGCTATCCGGCAAGCACTGGTGGACTCTGTGTTCCAG[G>A]TGTCGGTGCTGCCAGGCAATGTGGGCTACCTGCGCTTCGATAGTTTTGCTGACGCCTCCG-3'
Protein context (NP_002891.1, residues 422-442): RQALVDSVFQ[Val432Met]SVLPGNVGYL